The following is an entry in ClinVar:

NM_000334.4(SCN4A):c.1376C>A (p.Ala459Asp)

Gene: SCN4A (sodium voltage-gated channel alpha subunit 4; minus strand). Cytogenetic location: 17q23.3.
Variant type: single nucleotide variant.
Coding change: c.1376C>A on transcript NM_000334.4 (MANE Select); coding-DNA position 1376, C replaced by A.
Protein change: p.Ala459Asp; replaces alanine 459 with aspartic acid.
Molecular consequence: missense variant.
Genome position (GRCh38, 1-based): chr17:63,964,544, G>T on the plus strand (C>A on the coding strand, the complement: SCN4A is on the minus strand). VCF-style: chr17-63964544-G-T. GRCh37 (hg19) VCF-style: chr17-62041904-G-T.
Other names: short protein forms A459D.
Identifiers: ClinVar variation 2063945 (VCV002063945.4), dbSNP rs1362538504, ClinGen allele CA400634934.
Genomic context (GRCh38, chr17:63,964,544, plus strand): 5'-TGGTGCTTTTTGAACTTCTCAAGCATCTGCTGAAACTCCTCCTCTTTCTCCTTATCCTCG[G>T]CCAGGGTGGCCTCATTCTGCTCGGCATATGCCATGGCCACCACGGCCAGGATCAGATTGA-3'
Protein context (NP_000325.4, residues 449-469): AYAEQNEATL[Ala459Asp]EDKEKEEEFQ

ClinVar aggregate classification (germline): Uncertain significance (1 of 4 stars; one submission).

Conditions:
Hyperkalemic periodic paralysis. Also called: Familial hyperkalemic periodic paralysis; Gamstorp disease. Identifiers: Orphanet 682, MedGen C0238357, MONDO:0008224, OMIM 170500, HP:0007215.

Allele frequency attached by ClinVar (database versions not stated): gnomAD exomes 0.00001.
gnomAD v4.1: 5 of 1,614,020 alleles (0.00031%); highest among the groups gnomAD compares: Admixed American, 0.0067%; no homozygotes.

Submission:

Labcorp Genetics (formerly Invitae), Labcorp
Classification: Uncertain significance for Hyperkalemic periodic paralysis. Last evaluated: 2025-12-24. Review status: criteria provided, single submitter. Criteria: Invitae Variant Classification Sherloc (09022015). Collection method: clinical testing. Allele origin: germline.
Comment: This sequence change replaces alanine, which is neutral and non-polar, with aspartic acid, which is acidic and polar, at codon 459 of the SCN4A protein (p.Ala459Asp). This variant is present in population databases (no rsID available, gnomAD 0.009%). This variant has not been reported in the literature in individuals affected with SCN4A-related conditions. ClinVar contains an entry for this variant (Variation ID: 2063945). Invitae Evidence Modeling of protein sequence and biophysical properties (such as structural, functional, and spatial information, amino acid conservation, physicochemical variation, residue mobility, and thermodynamic stability) indicates that this missense variant is not expected to disrupt SCN4A protein function with a negative predictive value of 95%. In summary, the available evidence is currently insufficient to determine the role of this variant in disease. Therefore, it has been classified as a Variant of Uncertain Significance.